The following is an entry in ClinVar:

NM_170743.4(IFNLR1):c.502G>A (p.Gly168Arg)

Gene: IFNLR1 (interferon lambda receptor 1; minus strand). Cytogenetic location: 1p36.11.
Variant type: single nucleotide variant.
Coding change: c.502G>A on transcript NM_170743.4 (MANE Select); coding-DNA position 502, G replaced by A.
Protein change: p.Gly168Arg; replaces glycine 168 with arginine.
Molecular consequence: missense variant.
Genome position (GRCh38, 1-based): chr1:24,161,550, C>T on the plus strand (G>A on the coding strand, the complement: IFNLR1 is on the minus strand). VCF-style: chr1-24161550-C-T. GRCh37 (hg19) VCF-style: chr1-24488040-C-T.
Other names: c.502G>A, p.Gly168Arg (NM_173064.3, NM_173065.3); short protein forms G168R.
Identifiers: ClinVar variation 4677860 (VCV004677860.2).

ClinVar aggregate classification (germline): Conflicting classifications of pathogenicity. Review status: criteria provided, conflicting classifications (1 of 4 stars). 2 submissions from 2 submitters: Uncertain significance (1); Likely benign (1). Last evaluated 2026-09-21.

Conditions:
IFNLR1-related disorder. Also called: IFNLR1-related condition.

gnomAD v4.1: 24 of 1,554,936 alleles (0.0015%); highest among the groups gnomAD compares: Middle Eastern, 0.033%; no homozygotes.

Submissions (2):

PreventionGenetics, part of Exact Sciences
Classification: Uncertain significance for IFNLR1-related condition. Last evaluated: 2026-09-21. Review status: criteria provided, single submitter. Criteria: ACMG Guidelines, 2015. Collection method: clinical testing. Allele origin: germline.
Comment: The IFNLR1 c.502G>A variant is predicted to result in the amino acid substitution p.Gly168Arg. To our knowledge, this variant has not been reported in the literature. This variant is reported in 0.010% of alleles in individuals of African descent in gnomAD. At this time, the clinical significance of this variant is uncertain due to the absence of conclusive functional and genetic evidence.

Ambry Genetics
Classification: Likely benign. Last evaluated: 2025-11-24. Review status: criteria provided, single submitter. Criteria: Ambry Variant Classification Scheme 2023. Collection method: clinical testing. Allele origin: germline.